The following continues an entry in ClinVar:

NM_000038.6(APC):c.3920T>A (p.Ile1307Lys)

Gene: APC. ClinVar aggregate classification (germline): Conflicting classifications of pathogenicity; association; risk factor. Pathogenic (6); Likely pathogenic (9); Pathogenic, low penetrance (1); Established risk allele (6); Uncertain significance (12).

Submissions 24 to 44 of 60:

Baylor Genetics
Classification: Likely pathogenic for Familial adenomatous polyposis 1. Last evaluated: 2021-07-27. Review status: criteria provided, single submitter. Criteria: ACMG Guidelines, 2015. Collection method: clinical testing. Allele origin: maternal. Affected: yes. Study: CSER-TexasKidsCanSeq.
Comment: This variant was determined to be likely pathogenic according to ACMG Guidelines, 2015 [PMID:25741868].

PreventionGenetics, part of Exact Sciences
Classification: risk factor. Last evaluated: 2021-06-17. Review status: criteria provided, single submitter. Criteria: ACMG Guidelines, 2015. Collection method: clinical testing. Allele origin: germline.

Johns Hopkins Genomics, Johns Hopkins University
Classification: Uncertain significance for Familial adenomatous polyposis 1. Last evaluated: 2020-11-03. Review status: criteria provided, single submitter. Criteria: ACMG Guidelines, 2015. Collection method: clinical testing. Allele origin: germline.

Greenwood Genetic Center Diagnostic Laboratories, Greenwood Genetic Center
Classification: Likely pathogenic. Last evaluated: 2020-08-28. Review status: criteria provided, single submitter. Criteria: ACMG Guidelines, 2015. Collection method: clinical testing. Allele origin: germline.

Department of Molecular Diagnostics, Institute of Oncology Ljubljana
Classification: Pathogenic for Familial adenomatous polyposis 1. Last evaluated: 2020-04-02. Review status: criteria provided, single submitter. Criteria: ACMG Guidelines, 2015. Collection method: clinical testing. Allele origin: germline. Affected: yes.

Laboratory for Molecular Medicine, Mass General Brigham Personalized Medicine
Classification: risk factor for Colorectal cancer. Last evaluated: 2020-03-04. Review status: criteria provided, single submitter. Criteria: LMM Criteria. Collection method: clinical testing. Allele origin: germline. Observed: 6 variant alleles.
Comment: APC c.3920T>A (p.Ile1307Lys, also known as I1307K) has been associated with colorectal cancer. This variant has been observed in multiple ethnic backgrounds with highest frequencies in individuals of Ashkenazi Jewish ancestry (3.6% Genome Aggregation Database (gnomAD); rs1801155) and is present in ClinVar (ID: 822). Several large studies and meta-analyses have reported odds ratios 1.51-2.53 for developing colorectal cancer in Ashkenazi Jewish population (OR=1.51 [95% CI 1.16-1.98] Boursi 2013, OR=2.17 [95% CI 1.64-2.86] Liang 2013, OR=2.53 [95% CI 2.11-3.04] Leshno 2016). However, the cancer risk remains unknown in individuals of non-Jewish descent. This variant introduces a polyA(8) region that is subject to slippage during DNA replication, which increases the susceptibility for somatic changes (Laken 1997, Gryfe 1998). In summary, this variant is an established risk factor for colorectal cancer.

GeneKor MSA
Classification: risk factor for Hereditary cancer-predisposing syndrome. Last evaluated: 2020-01-01. Review status: criteria provided, single submitter. Criteria: ACMG Guidelines, 2015. Collection method: clinical testing. Allele origin: germline. Affected: yes.
Comment: This sequence change replaces Isoleucine with Lysine at codon 1307 of the APC protein. The isoleucine residue is mildly conserved among species and is located in a known functional domain of the protein. There is a big physiochemical difference between isoleucine and lysine (Grantham Score 102). This variant is listed in population databases (rs1801155, ExAC 0.3) and is a common finding in individuals of Ashkenazi (~6-10%) and Sephardic Jewish decent (~3%; PMID: 9288102 ,23896379 ).Multiple studies have associated this variant with a moderate increase in the risk of colorectal cancer in individuals of Ashkenazi Jewish ancestry, in whom this variant is identified in 28% of cases with familial colorectal cancer (PMID: 9288102 ). In a recent meta-analysis the risk of colorectal cancer development was estimated to be increased 2-fold in Ashkenazi Jewish individuals carrying this variant, while this increase was not evident in other populations (PMID: 23576677). The mutation database ClinVar contains multiple entries for this variant (Variation ID:822).

Knight Diagnostic Laboratories, Oregon Health and Sciences University
Classification: Likely pathogenic for Hereditary cancer-predisposing syndrome. Last evaluated: 2019-08-05. Review status: criteria provided, single submitter. Criteria: ACMG Guidelines, 2015. Collection method: clinical testing. Allele origin: germline. Observed: 9 variant alleles.

Equipe Genetique des Anomalies du Developpement, Université de Bourgogne
Classification: Uncertain significance for Familial adenomatous polyposis 1. Last evaluated: 2018-11-21. Review status: criteria provided, single submitter. Criteria: ACMG Guidelines, 2015. Collection method: clinical testing. Allele origin: unknown.

Mendelics
Classification: Likely pathogenic for Familial adenomatous polyposis 1. Last evaluated: 2018-07-02. Review status: criteria provided, single submitter. Criteria: Mendelics Assertion Criteria 2017. Collection method: clinical testing. Allele origin: unknown.

Center for Human Genetics, Inc
Classification: Uncertain significance for Familial adenomatous polyposis. Last evaluated: 2018-06-01. Review status: criteria provided, single submitter. Criteria: ACMG Guidelines, 2015. Collection method: clinical testing. Allele origin: germline. Affected: yes.

Center for Pediatric Genomic Medicine, Children's Mercy Hospital and Clinics
Classification: Uncertain significance. Last evaluated: 2017-07-27. Review status: criteria provided, single submitter. Criteria: ACMG Guidelines, 2015. Collection method: clinical testing. Allele origin: germline.

Human Genome Sequencing Center Clinical Lab, Baylor College of Medicine
Classification: risk factor for Familial adenomatous polyposis 1. Last evaluated: 2017-06-02. Review status: criteria provided, single submitter. Criteria: ACMG Guidelines, 2015. Collection method: clinical testing. Allele origin: germline.
Comment: The c.3920T>A (p.Ile1307Lys) variant in the APC gene has been reported as a common risk allele associated with familial colorectal cancer in the Ashkenazi Jewish population [PMID 18770064, 24416237]. The c.3920T>A variant has been reported to result in an adenine replacing a thymine and creating an oligo-adenine (A8) tract that appears to be inherently prone to further somatic mis-pairing and slippage during DNA replication, thereby creating a frameshift change [PMID 9288102, 18770064 and 244162370]. However, this variant has also been reported at a high frequency, present in 6% of Ashkenazi Jews and about 28% of Ashkenazim with a family history of colorectal cancer [PMID: 9288102]. Isoleucine at amino acid position 1307 of the APC protein is weakly conserved during evolution. While not validated for clinical use, the SIFT and PolyPhen-2 algorithms predict this variant to be benign. Ashkenazi Jews who carry the p.Ile1307Lys variant are at increased risk for colorectal neoplasia: the risk for colorectal neoplasia in heterozygous Ashkenazi Jewish individuals was estimated to be between 1.7 to 2.17 compared to non carrier individuals [PMID 12173321, 23576677, 23896379]. This variant is classified as as a risk allele with an increased risk for colorectal neoplasia in the Ashkenazi Jewish population. However the risk in non Jewish populations has not been determined.

Snyder Lab, Genetics Department, Stanford University
Classification: risk factor for Carcinoma of colon. Last evaluated: 2017-01-01. Review status: criteria provided, single submitter. Criteria: ACMG Guidelines, 2015. Collection method: research. Allele origin: germline.

Genomic Diagnostic Laboratory, Division of Genomic Diagnostics, Children's Hospital of Philadelphia
Classification: Uncertain significance for Adenomatous polyposis coli. Last evaluated: 2015-11-24. Review status: criteria provided, single submitter. Criteria: DGD Variant Analysis Guidelines. Collection method: clinical testing. Allele origin: unknown.

University of Washington Department of Laboratory Medicine, University of Washington
Classification: risk factor for Colorectal cancer, susceptibility to. Last evaluated: 2015-11-20. Review status: criteria provided, single submitter. Criteria: Shirts et al. (Genet Med 2016). Collection method: clinical testing. Allele origin: germline. Affected: no and yes. Observed: 9 variant alleles. Clinical features observed: breast cancer, colon cancer, ovarian cancer, bilateral breast cancer.
Comment: Low penetrance mutation that is associated with a small increase in risk of colon cancer and with an increased risk of colon polyps (Boursi 2013)

GeneDx
Classification: risk factor. Last evaluated: 2015-05-08. Review status: criteria provided, single submitter. Criteria: GeneDx Variant Classification (06012015). Collection method: clinical testing. Allele origin: germline. Affected: yes.
Comment: This variant is denoted APC c.3920T>A at the DNA level and p.Ile1307Lys (I1307K) at the protein level, replacing an Isoleucine with a Lysine. APC Ile1307Lys is a common variant, observed at an allele frequency of 3.7% (371/10,138) in individuals of Ashkenazi Jewish ancestry in large population cohorts (Lek 2016) and in up to 11% of individuals in Ashkenazi Jewish cohorts in the literature (Liang 2013, Boursi 2013). A meta-analysis of epidemiologic studies of APC polymorphisms suggests that individuals of Ashkenazi Jewish ancestry who carry this variant have a 2-fold increased risk of colorectal cancer (Liang 2013). However, studies of this variant in other populations did not report an increased risk of colorectal cancer (Liang 2013); therefore, the clinical significance in individuals without Jewish ancestry is not clear at this time. In sum, we consider APC Ile1307Lys to be a risk allele. The National Comprehensive Cancer Network has management guidelines for individuals carrying the APC Ile1307Lys risk allele (NCCN).

Laboratory of Medical Genetics Unit, Bambino Gesù Children's Hospital
Classification: Likely pathogenic for Diffuse midline glioma, H3 K27-altered. Review status: criteria provided, single submitter. Criteria: ACMG Guidelines, 2015. Collection method: research. Allele origin: germline. Affected: yes. Observed: 1 heterozygote.

University Health Network, Familial Cancer Clinic, Princess Margaret Cancer Centre
Classification: Likely pathogenic for Familial adenomatous polyposis 1. Review status: criteria provided, single submitter. Criteria: ACMG Guidelines, 2015. Collection method: clinical testing. Allele origin: germline. Inheritance: Autosomal dominant inheritance. Affected: no and yes. Observed: 5 variant alleles. Clinical features observed: Endometrial carcinoma (HP:0012114), Ovarian carcinoma (HP:0025318), Neuroendocrine neoplasm (HP:0100634).

OMIM
No classification provided. Condition: FAMILIAL ADENOMATOUS POLYPOSIS 1, SUSCEPTIBILITY TO. Last evaluated: 2025-09-04. Review status: no classification provided. Collection method: literature only. Allele origin: unknown. Not counted in ClinVar's aggregate classification.

Institute for Biomarker Research, Medical Diagnostic Laboratories, L.L.C.
Classification: Uncertain significance for Hereditary cancer-predisposing syndrome. Last evaluated: 2022-03-22. Review status: no assertion criteria provided. Collection method: clinical testing. Allele origin: germline. Not counted in ClinVar's aggregate classification.